The following is an entry in ClinVar:

NM_001377.3(DYNC2H1):c.4169C>T (p.Thr1390Ile)

Gene: DYNC2H1 (dynein cytoplasmic 2 heavy chain 1; plus strand). Cytogenetic location: 11q22.3.
Variant type: single nucleotide variant.
Coding change: c.4169C>T on transcript NM_001377.3 (MANE Select); coding-DNA position 4169, C replaced by T.
Protein change: p.Thr1390Ile; replaces threonine 1390 with isoleucine.
Molecular consequence: missense variant.
Genome position (GRCh38, 1-based): chr11:103,158,718, C>T. VCF-style: chr11-103158718-C-T. GRCh37 (hg19) VCF-style: chr11-103029447-C-T.
Other names: c.4169C>T, p.Thr1390Ile (NM_001080463.2); short protein forms T1390I.
Identifiers: ClinVar variation 3361977 (VCV003361977.1).

ClinVar aggregate classification (germline): Uncertain significance (1 of 4 stars; one submission).

Submission:

GeneDx
Classification: Uncertain significance. Last evaluated: 2023-05-25. Review status: criteria provided, single submitter. Criteria: GeneDx Variant Classification Process June 2021. Collection method: clinical testing. Allele origin: germline. Affected: yes.
Comment: Not observed at significant frequency in large population cohorts (gnomAD); In silico analysis supports that this missense variant has a deleterious effect on protein structure/function; In silico analysis is inconclusive as to whether the variant alters gene splicing; in the absence of RNA/functional studies the actual effect of this sequence change is unknown; Has not been previously published as pathogenic or benign to our knowledge